The following is an entry in ClinVar:

ClinVar aggregate classification (germline): Benign (1 of 4 stars; one submission).

Allele frequency attached by ClinVar (database versions not stated): TOPMed 0.30558; gnomAD 0.31038 and 0.31635; 1000 Genomes Project 30x 0.31652; 1000 Genomes Project 0.32368.
gnomAD v4.1: 47,846 of 151,708 alleles (32%); highest among the groups gnomAD compares: East Asian, 57%; 8,458 homozygotes.

Submission:

GeneDx
Classification: Benign. Last evaluated: 2018-06-14. Review status: criteria provided, single submitter. Criteria: GeneDx Variant Classification (06012015). Collection method: clinical testing. Allele origin: germline. Affected: yes.
Comment: This variant is considered likely benign or benign based on one or more of the following criteria: it is a conservative change, it occurs at a poorly conserved position in the protein, it is predicted to be benign by multiple in silico algorithms, and/or has population frequency not consistent with disease.

NM_002474.3(MYH11):c.3121+281G>C

Gene: MYH11 (myosin heavy chain 11; minus strand). Cytogenetic location: 16p13.11.
Variant type: single nucleotide variant.
Coding change: c.3121+281G>C on transcript NM_002474.3 (MANE Select); 281 bases into the intron after coding-DNA position 3121, G replaced by C.
Molecular consequence: intron variant.
Genome position (GRCh38, 1-based): chr16:15,738,284, C>G on the plus strand (G>C on the coding strand, the complement: MYH11 is on the minus strand). VCF-style: chr16-15738284-C-G. GRCh37 (hg19) VCF-style: chr16-15832141-C-G.
Other names: c.3121+281G>C (NM_022844.3); c.3142+281G>C (NM_001040114.2, NM_001040113.2).
Identifiers: ClinVar variation 680674 (VCV000680674.1), dbSNP rs62029314, ClinGen allele CA15865413.